The following is an entry in ClinVar:

NM_001161352.2(KCNMA1):c.75G>C (p.Met25Ile)

Gene: KCNMA1 (potassium calcium-activated channel subfamily M alpha 1; minus strand). Cytogenetic location: 10q22.3.
Variant type: single nucleotide variant.
Coding change: c.75G>C on transcript NM_001161352.2 (MANE Select); coding-DNA position 75, G replaced by C.
Protein change: p.Met25Ile; replaces methionine 25 with isoleucine.
Molecular consequence: missense variant.
Genome position (GRCh38, 1-based): chr10:77,637,568, C>G on the plus strand (G>C on the coding strand, the complement: KCNMA1 is on the minus strand). VCF-style: chr10-77637568-C-G. GRCh37 (hg19) VCF-style: chr10-79397326-C-G.
Other names: c.75G>C, p.Met25Ile (NM_001014797.3, NM_001161353.2, NM_001271518.2 and 15 more transcripts); short protein forms M25I.
Identifiers: ClinVar variation 5009523 (VCV005009523.1).
Genomic context (GRCh38, chr10:77,637,568, plus strand): 5'-GGAGGAGGAGGAGGAGGAGGACGCGTCTAGGCTGAGATGGTTCGCGTGGATATTGCTACT[C>G]ATTCTAAGACTGCTGCCTCCGCCGCCGCCGCCGCCGCCGCTGCTGCCGCCGCCGCCGCCG-3'
Protein context (NP_001154824.1, residues 15-35): GGGGGGSSLR[Met25Ile]SSNIHANHLS

ClinVar aggregate classification (germline): Uncertain significance (1 of 4 stars; one submission).

Submission:

GeneDx
Classification: Uncertain significance. Last evaluated: 2026-03-19. Review status: criteria provided, single submitter. Criteria: GeneDx Variant Classification Process June 2021. Collection method: clinical testing. Allele origin: germline.
Comment: Not observed at significant frequency in large population cohorts (gnomAD); In silico analysis suggests that this missense variant does not alter protein structure/function; Has not been previously published as pathogenic or benign to our knowledge